The following is an entry in ClinVar:

ClinVar aggregate classification (germline): Uncertain significance (1 of 4 stars; one submission).

Submission:

Labcorp Genetics (formerly Invitae), Labcorp
Classification: Uncertain significance. Last evaluated: 2023-08-17. Review status: criteria provided, single submitter. Criteria: Invitae Variant Classification Sherloc (09022015). Collection method: clinical testing. Allele origin: germline.
Comment: In summary, the available evidence is currently insufficient to determine the role of this variant in disease. Therefore, it has been classified as a Variant of Uncertain Significance. An algorithm developed to predict the effect of missense changes on protein structure and function (PolyPhen-2) suggests that this variant is likely to be tolerated. This variant has not been reported in the literature in individuals affected with PITPNM3-related conditions. This variant is not present in population databases (gnomAD no frequency). This sequence change replaces proline, which is neutral and non-polar, with glutamine, which is neutral and polar, at codon 81 of the PITPNM3 protein (p.Pro81Gln).

NM_031220.4(PITPNM3):c.242C>A (p.Pro81Gln)

Gene: PITPNM3 (PITPNM family member 3; minus strand). Cytogenetic location: 17p13.1.
Variant type: single nucleotide variant.
Coding change: c.242C>A on transcript NM_031220.4 (MANE Select); coding-DNA position 242, C replaced by A.
Protein change: p.Pro81Gln; replaces proline 81 with glutamine.
Molecular consequence: missense variant.
Genome position (GRCh38, 1-based): chr17:6,503,559, G>T on the plus strand (C>A on the coding strand, the complement: PITPNM3 is on the minus strand). VCF-style: chr17-6503559-G-T. GRCh37 (hg19) VCF-style: chr17-6406879-G-T.
Other names: c.134C>A, p.Pro45Gln (NM_001165966.2); short protein forms P45Q, P81Q.
Identifiers: ClinVar variation 2753470 (VCV002753470.3), dbSNP rs763191181, ClinGen allele CA397413366.
Genomic context (GRCh38, chr17:6,503,559, plus strand): 5'-TGACCCCACAGGGTCAGGCTTGACTCACGCTGCTTCTCCTGGAGGATGCTGGATGTGCAC[G>T]GCGCGGTCCCTTCTCCTGCAGAAAAAGAAAAGAAACATGAGCAGATCCTTGACACTGTTG-3'
Protein context (NP_112497.2, residues 71-91): LDEHQGEGTA[Pro81Gln]CTSSILQEKQ